The following is an entry in ClinVar:

ClinVar aggregate classification (germline): Uncertain significance (1 of 4 stars; one submission).

Submission:

Ambry Genetics
Classification: Uncertain significance. Last evaluated: 2023-11-16. Review status: criteria provided, single submitter. Criteria: Ambry Variant Classification Scheme 2023. Collection method: clinical testing. Allele origin: germline.
Comment: The p.P865R variant (also known as c.2594C>G), located in coding exon 24 of the KIF1B gene, results from a C to G substitution at nucleotide position 2594. The proline at codon 865 is replaced by arginine, an amino acid with dissimilar properties. This amino acid position is highly conserved in available vertebrate species. In addition, this alteration is predicted to be deleterious by in silico analysis. Since supporting evidence is limited at this time, the clinical significance of this alteration remains unclear.

NM_001365951.3(KIF1B):c.2732C>G (p.Pro911Arg)

Genes: KIF1B (kinesin family member 1B; plus strand), LOC126805614 (BRD4-independent group 4 enhancer GRCh37_chr1:10385546-10386745; plus strand). Cytogenetic location: 1p36.22.
Variant type: single nucleotide variant.
Coding change: c.2732C>G on transcript NM_001365951.3 (MANE Select); coding-DNA position 2732, C replaced by G.
Protein change: p.Pro911Arg; replaces proline 911 with arginine.
Molecular consequence: missense variant.
Genome position (GRCh38, 1-based): chr1:10,326,167, C>G. VCF-style: chr1-10326167-C-G. GRCh37 (hg19) VCF-style: chr1-10386225-C-G.
Other names: c.2732C>G, p.Pro911Arg (NM_001365952.1); c.2594C>G, p.Pro865Arg (NM_015074.3); short protein forms P865R, P911R.
Identifiers: ClinVar variation 1793554 (VCV001793554.2), dbSNP rs2521639186, ClinGen allele CA338336943.